The following is an entry in ClinVar:

NM_000228.3(LAMB3):c.446_447delinsCAAAGGAAGA (p.Leu149fs)

Gene: LAMB3 (laminin subunit beta 3; minus strand). Cytogenetic location: 1q32.2.
Variant type: Indel.
Coding change: c.446_447delinsCAAAGGAAGA on transcript NM_000228.3 (MANE Select); coding-DNA positions 446 to 447, TG replaced by CAAAGGAAGA.
Protein change: p.Leu149fs; shifts the reading frame from leucine 149.
Molecular consequence: frameshift variant.
Genome position (GRCh38, 1-based): chr1:209,634,564-209,634,565, CA replaced by TCTTCCTTTG on the plus strand (TG replaced by CAAAGGAAGA on the coding strand, the reverse complement: LAMB3 is on the minus strand). VCF-style: chr1-209634564-CA-TCTTCCTTTG. GRCh37 (hg19) VCF-style: chr1-209807909-CA-TCTTCCTTTG.
Other names: c.446_447delinsCAAAGGAAGA, p.Leu149fs (NM_001017402.2, NM_001127641.1); short protein forms L149fs.
Identifiers: ClinVar variation 1726929 (VCV001726929.3), dbSNP rs2464880004, ClinGen allele CA2580061976.

ClinVar aggregate classification (germline): Likely pathogenic (1 of 4 stars; one submission).

Conditions:
Junctional epidermolysis bullosa. Identifiers: Orphanet 305, MedGen C0079301, MONDO:0017612.

Submission:

Myriad Genetics, Inc.
Classification: Likely pathogenic for Junctional epidermolysis bullosa. Last evaluated: 2022-01-02. Review status: criteria provided, single submitter. Criteria: Myriad Autosomal Dominant, Autosomal Recessive and X-Linked Classification Criteria (2023). Collection method: clinical testing. Allele origin: unknown.
Comment: NM_000228.2(LAMB3):c.446_447del2ins10(L149Pfs*39) is expected to be pathogenic in the context of junctional epidermolysis bullosa, LAMB3-related. This variant is predicted to lead to an abnormal or absent protein product due to the creation of a premature termination codon in LAMB3, a gene where loss-of-function variants are known to be pathogenic. Please note: this variant was assessed in the context of healthy population screening.